The following is an entry in ClinVar:

NM_001242896.3(DEPDC5):c.179_180delinsT (p.Glu60fs)

Gene: DEPDC5 (DEP domain containing 5, GATOR1 subcomplex subunit; plus strand). Cytogenetic location: 22q12.2.
Variant type: Indel.
Coding change: c.179_180delinsT on transcript NM_001242896.3 (MANE Select); coding-DNA positions 179 to 180, AA replaced by T.
Protein change: p.Glu60fs; shifts the reading frame from glutamic acid 60.
Molecular consequence: frameshift variant. On other transcripts: non-coding transcript variant (5).
Genome position (GRCh38, 1-based): chr22:31,760,688-31,760,689, AA replaced by T. VCF-style: chr22-31760688-AA-T. GRCh37 (hg19) VCF-style: chr22-32156674-AA-T.
Other names: c.179_180delinsT, p.Glu60fs (NM_001007188.4, NM_001136029.4, NM_001242897.2 and 9 more transcripts); short protein forms E60fs.
Identifiers: ClinVar variation 4879368 (VCV004879368.1).
Genomic context (GRCh38, chr22:31,760,688, plus strand): 5'-CCAACTCTCTTGTTGCTTTCTTTTTCAGCCCTCTGCTTTTGCAGGTCAAGTCTCTTAAGG[AA>T]GATTTACAGAAGGGTAAGAATTATATCACTCTTCTTAGAATTTTTTATTTACTGCCTCAG-3'

ClinVar aggregate classification (germline): Likely pathogenic (1 of 4 stars; one submission).

Conditions:
Isolated focal cortical dysplasia type IIb. Identifiers: Orphanet 269008, MedGen C5679768, MONDO:0017102.

Submission:

Human Genome Lab, NIMHANS, National Institute of Mental Health and Neuro Sciences
Classification: Likely pathogenic for Isolated focal cortical dysplasia type IIb. Last evaluated: 2024-12-12. Review status: criteria provided, single submitter. Criteria: ACMG Guidelines, 2015. Collection method: clinical testing. Allele origin: somatic. Affected: yes. Observed: 1 variant allele.
Comment: The frameshift insertion NM_001242896.3(DEPDC5):c.179_180delinsT (p.Glu60Valfs*14) is not currently classified as pathogenic or benign in clinical sources. The p.Glu60Valfs*14 variant is novel (not in any individuals) in 1kG All. The p.Glu60Valfs*14 variant is novel (not in any individuals) in TopMed All. The p.Glu60Valfs*14 variant is novel (not in any individuals) in gnomAD4-Joint-Variant Frequencies. This variant is predicted to cause loss of normal protein function through protein truncation caused a frameshift mutation. The frame shifted sequence continues 14 residues until a stop codon is reached. This variant is a frameshift variant which occurs in an exon of DEPDC5 upstream of where nonsense mediated decay is predicted to occur. There are 359 downstream pathogenic loss of function variants, with the furthest variant being 1510 residues downstream of this variant. This indicates that the region is critical to protein function. The p.Glu60Valfs*14 variant is a loss of function variant in the gene DEPDC5, which is intolerant of Loss of Function variants, as indicated by the presence of existing pathogenic loss of function variant NP_001229825.1:p.M1_D20delinsN and 265 others. For these reasons, this variant has been classified as Likely Pathogenic. (ACMG Criteria PM2 PVS1)